The following is an entry in ClinVar:

NM_198578.4(LRRK2):c.784A>G (p.Met262Val)

Gene: LRRK2 (leucine rich repeat kinase 2; plus strand). Cytogenetic location: 12q12.
Variant type: single nucleotide variant.
Coding change: c.784A>G on transcript NM_198578.4 (MANE Select); coding-DNA position 784, A replaced by G.
Protein change: p.Met262Val; replaces methionine 262 with valine.
Molecular consequence: missense variant.
Genome position (GRCh38, 1-based): chr12:40,243,627, A>G. VCF-style: chr12-40243627-A-G. GRCh37 (hg19) VCF-style: chr12-40637429-A-G.
Other names: c.784A>G (NM_198578.3); short protein forms M262V.
Identifiers: ClinVar variation 1392440 (VCV001392440.7), dbSNP rs182233369, ClinGen allele CA6513189.
Genomic context (GRCh38, chr12:40,243,627, plus strand): 5'-CTCATGAGTGGCAATGTCAGGTGTTATAATATTGTGGTGGAAGCTATGAAAGCATTCCCT[A>G]TGAGTGAAAGAATTCAAGAAGTGAGTTGCTGTTTGCTCCATAGGCTTACATTAGGTGAGT-3'
Protein context (NP_940980.4, residues 252-272): IVVEAMKAFP[Met262Val]SERIQEVSCC

ClinVar aggregate classification (germline): Conflicting classifications of pathogenicity. Review status: criteria provided, conflicting classifications (1 of 4 stars). 2 submissions from 2 submitters: Uncertain significance (1); Likely benign (1). Last evaluated 2025-11-06.

Conditions:
Autosomal dominant Parkinson disease 8. Also called: LRRK2-Related Parkinson Disease; Parkinson disease 8; Parkinson disease 8, susceptibility to. Identifiers: Orphanet 411602, MedGen C1846862, MONDO:0011764, OMIM 607060.
Inborn genetic diseases. Identifiers: MedGen C0950123, MeSH D030342.

Allele frequency attached by ClinVar (database versions not stated): gnomAD exomes 0.00002 and 0.00008; ExAC 0.00007; gnomAD 0.00014; 1000 Genomes Project 0.00020; TOPMed 0.00024; 1000 Genomes Project 30x 0.00031.
gnomAD v4.1: 64 of 1,612,228 alleles (0.004%); highest among the groups gnomAD compares: Admixed American, 0.057%; 1 homozygote.

Submissions (2):

Labcorp Genetics (formerly Invitae), Labcorp
Classification: Uncertain significance for Autosomal dominant Parkinson disease 8. Last evaluated: 2025-11-06. Review status: criteria provided, single submitter. Criteria: Invitae Variant Classification Sherloc (09022015). Collection method: clinical testing. Allele origin: germline.
Comment: This sequence change replaces methionine, which is neutral and non-polar, with valine, which is neutral and non-polar, at codon 262 of the LRRK2 protein (p.Met262Val). This variant is present in population databases (rs182233369, gnomAD 0.03%), and has an allele count higher than expected for a pathogenic variant. This variant has not been reported in the literature in individuals affected with LRRK2-related conditions. ClinVar contains an entry for this variant (Variation ID: 1392440). An algorithm developed to predict the effect of missense changes on protein structure and function outputs the following: PolyPhen-2: "Benign". The valine amino acid residue is found in multiple mammalian species, which suggests that this missense change does not adversely affect protein function. In summary, the available evidence is currently insufficient to determine the role of this variant in disease. Therefore, it has been classified as a Variant of Uncertain Significance.

Ambry Genetics
Classification: Likely benign for Inborn genetic diseases. Last evaluated: 2023-03-17. Review status: criteria provided, single submitter. Criteria: Ambry Variant Classification Scheme 2023. Collection method: clinical testing. Allele origin: germline.